The following is an entry in ClinVar:

ClinVar aggregate classification (germline): Uncertain significance. Review status: criteria provided, multiple submitters, no conflicts (2 of 4 stars). 5 submissions from 5 submitters: Uncertain significance (5). Last evaluated 2025-08-13.

Conditions:
Inborn genetic diseases. Identifiers: MedGen C0950123, MeSH D030342.
Charcot-Marie-Tooth disease type 4. Also called: Charcot-Marie-Tooth, Type 4; Charcot-Marie-Tooth disease, type IV. Identifiers: Orphanet 64749, MedGen C4082197, MONDO:0018995.

Allele frequency attached by ClinVar (database versions not stated): gnomAD 0.00001; TOPMed 0.00001; ExAC 0.00002; gnomAD exomes 0.00002 and 0.00003; ESP Exome Variant Server 0.00008.
gnomAD v4.1: 38 of 1,588,600 alleles (0.0024%); highest among the groups gnomAD compares: Non-Finnish European, 0.0033%; no homozygotes.

Submissions (5):

Ambry Genetics
Classification: Uncertain significance for Inborn genetic diseases. Last evaluated: 2025-08-13. Review status: criteria provided, single submitter. Criteria: Ambry Variant Classification Scheme 2023. Collection method: clinical testing. Allele origin: germline.

Labcorp Genetics (formerly Invitae), Labcorp
Classification: Uncertain significance for Charcot-Marie-Tooth disease type 4. Last evaluated: 2022-08-19. Review status: criteria provided, single submitter. Criteria: Invitae Variant Classification Sherloc (09022015). Collection method: clinical testing. Allele origin: germline.
Comment: This sequence change replaces arginine, which is basic and polar, with lysine, which is basic and polar, at codon 1547 of the SBF2 protein (p.Arg1547Lys). This variant is present in population databases (rs200338241, gnomAD 0.003%). This variant has not been reported in the literature in individuals affected with SBF2-related conditions. ClinVar contains an entry for this variant (Variation ID: 806619). Algorithms developed to predict the effect of missense changes on protein structure and function output the following: SIFT: "Tolerated"; PolyPhen-2: "Benign"; Align-GVGD: "Class C0". The lysine amino acid residue is found in multiple mammalian species, which suggests that this missense change does not adversely affect protein function. In summary, the available evidence is currently insufficient to determine the role of this variant in disease. Therefore, it has been classified as a Variant of Uncertain Significance.

Mayo Clinic Laboratories, Mayo Clinic
Classification: Uncertain significance. Last evaluated: 2022-03-16. Review status: criteria provided, single submitter. Criteria: ACMG Guidelines, 2015. Collection method: clinical testing. Allele origin: germline. Observed: 1 variant allele.
Comment: PM2

Blueprint Genetics
Classification: Uncertain significance. Last evaluated: 2019-08-05. Review status: criteria provided, single submitter. Criteria: ACMG Guidelines, 2015. Collection method: clinical testing. Allele origin: germline.

CeGaT Center for Human Genetics Tuebingen
Classification: Uncertain significance. Last evaluated: 2016-06-01. Review status: criteria provided, single submitter. Criteria: CeGaT Center For Human Genetics Tuebingen Variant Classification Criteria Version 2. Collection method: clinical testing. Allele origin: germline. Affected: yes. Observed: 1 variant allele.

NM_030962.4(SBF2):c.4640G>A (p.Arg1547Lys)

Genes: SBF2 (SET binding factor 2; minus strand), SBF2-AS1 (SBF2 antisense RNA 1; plus strand), LOC105369149 (uncharacterized LOC105369149; plus strand). Cytogenetic location: 11p15.4.
Variant type: single nucleotide variant.
Coding change: c.4640G>A on transcript NM_030962.4 (MANE Select); coding-DNA position 4640, G replaced by A.
Protein change: p.Arg1547Lys; replaces arginine 1547 with lysine.
Molecular consequence: missense variant.
Genome position (GRCh38, 1-based): chr11:9,790,614, C>T on the plus strand (G>A on the coding strand, the complement: SBF2 is on the minus strand). VCF-style: chr11-9790614-C-T. GRCh37 (hg19) VCF-style: chr11-9812161-C-T.
Other names: p.Arg1547Lys; c.4736G>A, p.Arg1579Lys (NM_001386339.1); c.4511G>A, p.Arg1504Lys (NM_001386342.1); c.4640G>A (NM_030962.3); short protein forms R1547K, R1504K, R1579K.
Identifiers: ClinVar variation 806619 (VCV000806619.46), dbSNP rs200338241, ClinGen allele CA5880930.